The following is an entry in ClinVar:

NM_032776.3(JMJD1C):c.7520A>T (p.Asp2507Val)

Gene: JMJD1C (jumonji domain containing 1C; minus strand). Cytogenetic location: 10q21.3.
Variant type: single nucleotide variant.
Coding change: c.7520A>T on transcript NM_032776.3 (MANE Select); coding-DNA position 7520, A replaced by T.
Protein change: p.Asp2507Val; replaces aspartic acid 2507 with valine.
Molecular consequence: missense variant. On other transcripts: non-coding transcript variant (1).
Genome position (GRCh38, 1-based): chr10:63,168,448, T>A on the plus strand (A>T on the coding strand, the complement: JMJD1C is on the minus strand). VCF-style: chr10-63168448-T-A. GRCh37 (hg19) VCF-style: chr10-64928208-T-A.
Other names: c.6974A>T, p.Asp2325Val (NM_001282948.2, NM_001318154.2); c.6656A>T, p.Asp2219Val (NM_001318153.2); c.7406A>T, p.Asp2469Val (NM_001322252.2); c.6863A>T, p.Asp2288Val (NM_001322254.2, NM_001322258.2); short protein forms D2288V, D2325V, D2469V, D2507V, D2219V.
Identifiers: ClinVar variation 2047430 (VCV002047430.4), dbSNP rs2492133524, ClinGen allele CA377017844.

ClinVar aggregate classification (germline): Uncertain significance (1 of 4 stars; one submission).

Conditions:
Early Myoclonic Encephalopathy. Identifiers: MedGen C0270855.

Allele frequency attached by ClinVar (database versions not stated): gnomAD exomes below 0.00001.
gnomAD v4.1: 2 of 1,608,258 alleles (0.00012%); highest among the groups gnomAD compares: Non-Finnish European, 0.00017%; no homozygotes.

Submission:

Labcorp Genetics (formerly Invitae), Labcorp
Classification: Uncertain significance for Early Myoclonic Encephalopathy. Last evaluated: 2021-12-18. Review status: criteria provided, single submitter. Criteria: Invitae Variant Classification Sherloc (09022015). Collection method: clinical testing. Allele origin: germline.
Comment: This sequence change replaces aspartic acid, which is acidic and polar, with valine, which is neutral and non-polar, at codon 2507 of the JMJD1C protein (p.Asp2507Val). This variant is not present in population databases (gnomAD no frequency). This variant has not been reported in the literature in individuals affected with JMJD1C-related conditions. Algorithms developed to predict the effect of missense changes on protein structure and function are either unavailable or do not agree on the potential impact of this missense change (SIFT: "Deleterious"; PolyPhen-2: "Probably Damaging"; Align-GVGD: "Class C0"). In summary, the available evidence is currently insufficient to determine the role of this variant in disease. Therefore, it has been classified as a Variant of Uncertain Significance.